The following is an entry in ClinVar:

NM_058216.3(RAD51C):c.837+4del

Gene: RAD51C (RAD51 paralog C; plus strand). Cytogenetic location: 17q22.
Variant type: Deletion.
Coding change: c.837+4del on transcript NM_058216.3 (MANE Select); 4 bases into the intron after coding-DNA position 837, one base deleted (A; older notation c.837+4delA).
Molecular consequence: intron variant.
Genome position (GRCh38, 1-based): chr17:58,709,994, A deleted; the last of 2 consecutive A bases (chr17:58,709,993-58,709,994); deleting either gives the same sequence. VCF-style (leftmost placement, unchanged base first): chr17-58709992-TA-T. GRCh37 (hg19) VCF-style: chr17-56787353-TA-T.
Other names: c.837+4delA (NM_058216.2).
Identifiers: ClinVar variation 651487 (VCV000651487.6), dbSNP rs1598484905, ClinGen allele CA915950640.
Genomic context (GRCh38, chr17:58,709,992, plus strand): 5'-GGTTATTAAATGGCCTAGCCCAGCAAATGATCAGCCTTGCAAATAATCACAGATTAGCTG[TA>T]AGTATTAACTAGTGAAGAGAGTTTTATAACAAAGTCAAGACTGTATAAAATGTTAATGTC-3'

ClinVar aggregate classification (germline): Uncertain significance (1 of 4 stars; one submission).

Conditions:
Fanconi anemia complementation group O. Also called: RAD51C-Related Fanconi Anemia. Identifiers: Orphanet 84, MedGen C3150653, MONDO:0013248, OMIM 613390.

Submission:

Labcorp Genetics (formerly Invitae), Labcorp
Classification: Uncertain significance for Fanconi anemia complementation group O. Last evaluated: 2018-09-21. Review status: criteria provided, single submitter. Criteria: Invitae Variant Classification Sherloc (09022015). Collection method: clinical testing. Allele origin: germline.
Comment: This sequence change falls in intron 5 of the RAD51C gene. It does not directly change the encoded amino acid sequence of the RAD51C protein, but it affects a nucleotide within the consensus splice site of the intron. This variant is not present in population databases (ExAC no frequency). This variant has not been reported in the literature in individuals with RAD51C-related disease. Nucleotide substitutions within the consensus splice site are a relatively common cause of aberrant splicing (PMID: 17576681, 9536098). Algorithms developed to predict the effect of sequence changes on RNA splicing suggest that this variant may disrupt the consensus splice site, but this prediction has not been confirmed by published transcriptional studies. In summary, the available evidence is currently insufficient to determine the role of this variant in disease. Therefore, it has been classified as a Variant of Uncertain Significance.

Literature cited by the submitters: PubMed 17576681; PubMed 9536098.